The following is an entry in ClinVar:

ClinVar aggregate classification (germline): Likely pathogenic (1 of 4 stars; one submission).

Conditions:
Retinal disorder. Also called: Retinopathy; Retinopathies; Retinal Diseases; Retinal disorders. Identifiers: MedGen C0035309, MONDO:0005283, HP:0000488.

Submission:

North West Genomic Laboratory Hub, Manchester University NHS Foundation Trust
Classification: Likely pathogenic for Retinal disorders. Last evaluated: 2026-04-16. Review status: criteria provided, single submitter. Criteria: ACGS Best Practice Guidelines for Variant Classification in Rare Disease 2024. Collection method: clinical testing. Allele origin: germline. Affected: yes.
Comment: PM3_Supp PP4_Supp PM2_Mod PVS1_Str

NM_006269.2(RP1):c.2384del (p.Ile795fs)

Gene: RP1 (RP1 axonemal microtubule associated; plus strand). Cytogenetic location: 8q12.1.
Variant type: Deletion.
Coding change: c.2384del on transcript NM_006269.2 (MANE Select); coding-DNA position 2384, one base deleted (T; older notation c.2384delT).
Protein change: p.Ile795fs; shifts the reading frame from isoleucine 795.
Molecular consequence: frameshift variant. On other transcripts: intron variant (1).
Genome position (GRCh38, 1-based): chr8:54,626,266, T deleted. VCF-style (leftmost placement, unchanged base first): chr8-54626265-AT-A. GRCh37 (hg19) VCF-style: chr8-55538825-AT-A.
Other names: c.787+3978del (NM_001375654.1); short protein forms I795fs.
Identifiers: ClinVar variation 4975014 (VCV004975014.1).